The following is an entry in ClinVar:

NM_020708.5(SLC12A5):c.1237+6G>A

Gene: SLC12A5 (solute carrier family 12 member 5; plus strand). Cytogenetic location: 20q13.12.
Variant type: single nucleotide variant.
Coding change: c.1237+6G>A on transcript NM_020708.5 (MANE Select); 6 bases into the intron after coding-DNA position 1237, G replaced by A.
Molecular consequence: intron variant.
Genome position (GRCh38, 1-based): chr20:46,043,329, G>A. VCF-style: chr20-46043329-G-A. GRCh37 (hg19) VCF-style: chr20-44671968-G-A.
Other names: c.1306+6G>A (NM_001134771.2).
Identifiers: ClinVar variation 851769 (VCV000851769.5), dbSNP rs200873569, ClinGen allele CA9887265.
Genomic context (GRCh38, chr20:46,043,329, plus strand): 5'-GATATGACCTCCTACTTCACCCTGCTGGTTGGCATCTACTTCCCCTCAGTCACAGGTGAA[G>A]GGGAGCTCAGAGAGGGAAGACTCTGCCTGTGAGTGGATGGGGAAGAGAGAGTCGATGATG-3'

ClinVar aggregate classification (germline): Uncertain significance (1 of 4 stars; one submission).

Conditions:
Developmental and epileptic encephalopathy, 34 (DEE34). Also called: Early infantile epileptic encephalopathy 34; SLC12A5-Related Epilepsy of Infancy with Migrating Focal Seizures. Identifiers: Orphanet 293181, MedGen C4225257, MONDO:0014718, OMIM 616645.

Allele frequency attached by ClinVar (database versions not stated): gnomAD exomes 0.00009 and 0.00019; ExAC 0.00010; gnomAD 0.00010 and 0.00011; TOPMed 0.00010; ESP Exome Variant Server 0.00015.
gnomAD v4.1: 296 of 1,613,116 alleles (0.018%); highest among the groups gnomAD compares: Non-Finnish European, 0.024%; no homozygotes.

Submission:

Labcorp Genetics (formerly Invitae), Labcorp
Classification: Uncertain significance for Developmental and epileptic encephalopathy, 34. Last evaluated: 2022-08-16. Review status: criteria provided, single submitter. Criteria: Invitae Variant Classification Sherloc (09022015). Collection method: clinical testing. Allele origin: germline.
Comment: This sequence change falls in intron 9 of the SLC12A5 gene. It does not directly change the encoded amino acid sequence of the SLC12A5 protein. It affects a nucleotide within the consensus splice site. This variant is present in population databases (rs200873569, gnomAD 0.02%). This variant has not been reported in the literature in individuals affected with SLC12A5-related conditions. ClinVar contains an entry for this variant (Variation ID: 851769). Variants that disrupt the consensus splice site are a relatively common cause of aberrant splicing (PMID: 17576681, 9536098). Algorithms developed to predict the effect of sequence changes on RNA splicing suggest that this variant is not likely to affect RNA splicing. In summary, the available evidence is currently insufficient to determine the role of this variant in disease. Therefore, it has been classified as a Variant of Uncertain Significance.

Literature cited by the submitters: PubMed 17576681; PubMed 9536098.